The following is an entry in ClinVar:

NM_004415.4(DSP):c.6701A>G (p.Asn2234Ser)

Gene: DSP (desmoplakin; plus strand). Cytogenetic location: 6p24.3.
Variant type: single nucleotide variant.
Coding change: c.6701A>G on transcript NM_004415.4 (MANE Select); coding-DNA position 6701, A replaced by G.
Protein change: p.Asn2234Ser; replaces asparagine 2234 with serine.
Molecular consequence: missense variant.
Genome position (GRCh38, 1-based): chr6:7,583,963, A>G. VCF-style: chr6-7583963-A-G. GRCh37 (hg19) VCF-style: chr6-7584196-A-G.
Other names: c.4904A>G, p.Asn1635Ser (NM_001008844.3); c.5372A>G, p.Asn1791Ser (NM_001319034.2); short protein forms N1635S, N1791S, N2234S.
Identifiers: ClinVar variation 3773750 (VCV003773750.2).

ClinVar aggregate classification (germline): Conflicting classifications of pathogenicity. Review status: criteria provided, conflicting classifications (1 of 4 stars). 2 submissions from 2 submitters: Uncertain significance (1); Likely benign (1). Last evaluated 2025-02-24.

Conditions:
Arrhythmogenic right ventricular cardiomyopathy (ARVD). Also called: Arrhythmogenic right ventricular dysplasia; Cardiomyopathy, ARVC; Arrhythmogenic cardiomyopathy; Arrhythmogenic Right Ventricular Cardiomyopathy (ARVC). Identifiers: Orphanet 247, MedGen C0349788, MeSH D019571, MONDO:0016587. Disease mechanism: loss of function. Inheritance: Various modes of inheritance.
Cardiovascular phenotype. Identifiers: MedGen CN230736.

gnomAD v4.1: 1 of 1,614,072 alleles (0.000062%); highest among the groups gnomAD compares: Non-Finnish European, 0.000085%; no homozygotes.

Submissions (2):

Ambry Genetics
Classification: Likely benign for Cardiovascular phenotype. Last evaluated: 2025-02-24. Review status: criteria provided, single submitter. Criteria: Ambry Variant Classification Scheme 2023. Collection method: clinical testing. Allele origin: germline.

Molecular Genetics, Royal Melbourne Hospital
Classification: Uncertain significance for Arrhythmogenic right ventricular cardiomyopathy. Last evaluated: 2025-02-06. Review status: criteria provided, single submitter. Criteria: ACMG Guidelines, 2015. Collection method: clinical testing. Allele origin: germline. Inheritance: Autosomal dominant inheritance.
Comment: This sequence change in DSP is predicted to replace asparagine with serine at codon 2234, p.(Asn2234Ser). The asparagine residue is highly conserved (100 vertebrates, Multiz Alignments) and is not located in an annotated domain. There is a small physicochemical difference between asparagine and serine. The highest population minor allele frequency in the population database gnomAD v4.1 is 0.00008% (1/1,180,050 alleles) in the European (non-Finnish) population. To our knowledge, this variant is novel and has not been previously reported in the relevant scientific literature or databases. Computational evidence predicts a benign effect for the missense substitution (REVEL = 0.066). Based on the classification scheme RMH Modified ACMG/AMP Guidelines v1.7.1, this variant is classified as VARIANT OF UNCERTAIN SIGNIFICANCE. Following criteria are met: PM2_Supporting, BP4.